The following is an entry in ClinVar:

ClinVar aggregate classification (germline): Uncertain significance (1 of 4 stars; one submission).

Submission:

Labcorp Genetics (formerly Invitae), Labcorp
Classification: Uncertain significance. Last evaluated: 2024-10-17. Review status: criteria provided, single submitter. Criteria: Invitae Variant Classification Sherloc (09022015). Collection method: clinical testing. Allele origin: germline.
Comment: This sequence change replaces threonine, which is neutral and polar, with isoleucine, which is neutral and non-polar, at codon 292 of the PROM1 protein (p.Thr292Ile). This variant is not present in population databases (gnomAD no frequency). This variant has not been reported in the literature in individuals affected with PROM1-related conditions. Invitae Evidence Modeling of protein sequence and biophysical properties (such as structural, functional, and spatial information, amino acid conservation, physicochemical variation, residue mobility, and thermodynamic stability) indicates that this missense variant is not expected to disrupt PROM1 protein function with a negative predictive value of 80%. In summary, the available evidence is currently insufficient to determine the role of this variant in disease. Therefore, it has been classified as a Variant of Uncertain Significance.

NM_006017.3(PROM1):c.875C>T (p.Thr292Ile)

Gene: PROM1 (prominin 1; minus strand). Cytogenetic location: 4p15.32.
Variant type: single nucleotide variant.
Coding change: c.875C>T on transcript NM_006017.3 (MANE Select); coding-DNA position 875, C replaced by T.
Protein change: p.Thr292Ile; replaces threonine 292 with isoleucine.
Molecular consequence: missense variant.
Genome position (GRCh38, 1-based): chr4:16,018,450, G>A on the plus strand (C>T on the coding strand, the complement: PROM1 is on the minus strand). VCF-style: chr4-16018450-G-A. GRCh37 (hg19) VCF-style: chr4-16020073-G-A.
Other names: c.848C>T, p.Thr283Ile (NM_001145847.2, NM_001145848.2, NM_001145851.2 and 4 more transcripts); c.875C>T, p.Thr292Ile (NM_001145849.2, NM_001145850.2); short protein forms T283I, T292I.
Identifiers: ClinVar variation 3665627 (VCV003665627.2).
Genomic context (GRCh38, chr4:16,018,450, plus strand): 5'-GATGGATGCACCAAGCACAGAGGGTCATTGAGAGATGACCGCAGGCTAGTTTTCACGCTG[G>A]TCAGACTGCTGCTAAGCTGTGTACTTTGTTGGTGCAAGCTCTTCAAGGTGCTGTTCATGT-3'
Protein context (NP_006008.1, residues 282-302): QQSTQLSSSL[Thr292Ile]SVKTSLRSSL